The following is an entry in ClinVar:

ClinVar aggregate classification (germline): Uncertain significance (1 of 4 stars; one submission).

Allele frequency attached by ClinVar (database versions not stated): TOPMed 0.00001; ExAC 0.00002.
gnomAD v4.1: 20 of 1,613,296 alleles (0.0012%); highest among the groups gnomAD compares: Non-Finnish European, 0.0016%; no homozygotes.

Submission:

Labcorp Genetics (formerly Invitae), Labcorp
Classification: Uncertain significance. Last evaluated: 2022-09-13. Review status: criteria provided, single submitter. Criteria: Invitae Variant Classification Sherloc (09022015). Collection method: clinical testing. Allele origin: germline.
Comment: In summary, the available evidence is currently insufficient to determine the role of this variant in disease. Therefore, it has been classified as a Variant of Uncertain Significance. Advanced modeling of protein sequence and biophysical properties (such as structural, functional, and spatial information, amino acid conservation, physicochemical variation, residue mobility, and thermodynamic stability) performed at Invitae indicates that this missense variant is expected to disrupt DNAAF4 protein function. This variant has not been reported in the literature in individuals affected with DNAAF4-related conditions. This variant is present in population databases (rs745975234, gnomAD 0.002%). This sequence change replaces proline, which is neutral and non-polar, with leucine, which is neutral and non-polar, at codon 397 of the DNAAF4 protein (p.Pro397Leu).

NM_130810.4(DNAAF4):c.1190C>T (p.Pro397Leu)

Genes: DNAAF4 (dynein axonemal assembly factor 4; minus strand), DNAAF4-CCPG1 (DNAAF4-CCPG1 readthrough (NMD candidate); minus strand). Cytogenetic location: 15q21.3.
Variant type: single nucleotide variant.
Coding change: c.1190C>T on transcript NM_130810.4 (MANE Select); coding-DNA position 1190, C replaced by T.
Protein change: p.Pro397Leu; replaces proline 397 with leucine.
Molecular consequence: missense variant. On other transcripts: intron variant (1).
Genome position (GRCh38, 1-based): chr15:55,430,743, G>A on the plus strand (C>T on the coding strand, the complement: DNAAF4 is on the minus strand). VCF-style: chr15-55430743-G-A. GRCh37 (hg19) VCF-style: chr15-55722941-G-A.
Other names: c.1084C>T, p.His362Tyr (NM_001033559.3); c.1047+4162C>T (NM_001033560.2); short protein forms H362Y, P397L.
Identifiers: ClinVar variation 2068851 (VCV002068851.2), dbSNP rs745975234, ClinGen allele CA7574785.
Genomic context (GRCh38, chr15:55,430,743, plus strand): 5'-TCTGTTCCTTGAATTACATTCCGAATCTTCTCAGCATCAATTTGTACAATTTTGTTGGAT[G>A]GATCAATCTTAAGTGCCGCTTCATAATCCTGTAGGCCTGTGTTTATATAGCAATGATGAT-3'
Protein context (NP_570722.2, residues 387-407): QDYEAALKID[Pro397Leu]SNKIVQIDAE